The following is an entry in ClinVar:

ClinVar aggregate classification (germline): Pathogenic (1 of 4 stars; one submission).

Conditions:
Peroxisome biogenesis disorder 9B. Also called: PEROXISOME BIOGENESIS DISORDER, PEX7-RELATED, ATYPICAL; PEX7-Related Refsum Disease; Refsum disease, adult, 2. Identifiers: Orphanet 773, MedGen C2749346, MONDO:0013945, OMIM 614879.

Submission:

Labcorp Genetics (formerly Invitae), Labcorp
Classification: Pathogenic for Peroxisome biogenesis disorder 9B. Last evaluated: 2022-04-14. Review status: criteria provided, single submitter. Criteria: Invitae Variant Classification Sherloc (09022015). Collection method: clinical testing. Allele origin: germline.
Comment: For these reasons, this variant has been classified as Pathogenic. ClinVar contains an entry for this variant (Variation ID: 1068851). This variant has not been reported in the literature in individuals affected with PEX7-related conditions. This variant is not present in population databases (gnomAD no frequency). This sequence change creates a premature translational stop signal (p.Gln38*) in the PEX7 gene. It is expected to result in an absent or disrupted protein product. Loss-of-function variants in PEX7 are known to be pathogenic (PMID: 12325024, 12522768, 20301447).

Literature cited by the submitters: PubMed 12325024; PubMed 12522768; PubMed 20301447.

NM_000288.4(PEX7):c.112C>T (p.Gln38Ter)

Gene: PEX7 (peroxisomal biogenesis factor 7; plus strand). Cytogenetic location: 6q23.3.
Variant type: single nucleotide variant.
Coding change: c.112C>T on transcript NM_000288.4 (MANE Select); coding-DNA position 112, C replaced by T.
Protein change: p.Gln38Ter; replaces glutamine 38 with a stop codon.
Molecular consequence: nonsense.
Genome position (GRCh38, 1-based): chr6:136,822,777, C>T. VCF-style: chr6-136822777-C-T. GRCh37 (hg19) VCF-style: chr6-137143915-C-T.
Other names: short protein forms Q38*.
Identifiers: ClinVar variation 1068851 (VCV001068851.7), dbSNP rs1774102216, ClinGen allele CA365855408.